The following is an entry in ClinVar:

ClinVar aggregate classification (germline): Pathogenic (1 of 4 stars; one submission).

Submission:

Labcorp Genetics (formerly Invitae), Labcorp
Classification: Pathogenic. Last evaluated: 2023-02-16. Review status: criteria provided, single submitter. Criteria: Invitae Variant Classification Sherloc (09022015). Collection method: clinical testing. Allele origin: germline.
Comment: This sequence change creates a premature translational stop signal (p.Tyr337*) in the PDZD7 gene. It is expected to result in an absent or disrupted protein product. Loss-of-function variants in PDZD7 are known to be pathogenic (PMID: 20440071). This variant is not present in population databases (gnomAD no frequency). This variant has not been reported in the literature in individuals affected with PDZD7-related conditions. For these reasons, this variant has been classified as Pathogenic.

Literature cited by the submitters: PubMed 20440071.

NM_001195263.2(PDZD7):c.1011C>A (p.Tyr337Ter)

Gene: PDZD7 (PDZ domain containing 7; minus strand). Cytogenetic location: 10q24.31.
Variant type: single nucleotide variant.
Coding change: c.1011C>A on transcript NM_001195263.2 (MANE Select); coding-DNA position 1011, C replaced by A.
Protein change: p.Tyr337Ter; replaces tyrosine 337 with a stop codon.
Molecular consequence: nonsense.
Genome position (GRCh38, 1-based): chr10:101,019,135, G>T on the plus strand (C>A on the coding strand, the complement: PDZD7 is on the minus strand). VCF-style: chr10-101019135-G-T. GRCh37 (hg19) VCF-style: chr10-102778892-G-T.
Other names: c.1011C>A, p.Tyr337Ter (NM_001351044.2, NM_024895.5); short protein forms Y337*.
Identifiers: ClinVar variation 2838382 (VCV002838382.3), dbSNP rs34705415, ClinGen allele CA378228923.